The following is an entry in ClinVar:

ClinVar aggregate classification (germline): Uncertain significance. Review status: reviewed by expert panel (3 of 4 stars). 5 submissions from 5 submitters: Uncertain significance (1). 4 of the submissions do not count toward it. Last evaluated 2024-07-11.

Conditions:
Hereditary thrombocytopenia and hematologic cancer predisposition syndrome. Identifiers: Orphanet 71290, MedGen CN281654, MONDO:0011071.
Acute myeloid leukemia (AML). Also called: Leukemia, acute myeloid, somatic; Leukemia, acute myelogenous, somatic; Acute myeloid leukemia, adult; AML adult; Acute non-lymphocytic leukemia; Acute granulocytic leukemia. Identifiers: Orphanet 519, MedGen C0023467, MeSH D015470, MONDO:0018874, OMIM 601626, HP:0004808. Disease mechanism: Constitutively activated FLT3.
Hereditary thrombocytopenia and hematological cancer predisposition syndrome associated with RUNX1. Also called: Familial thrombocytopenia with propensity to acute myelogenous leukemia; RUNX1 Familial Platelet Disorder with Associated Myeloid Malignancies; Familial Platelet Disorder with Propensity to Acute Myelogenous Leukemia; PLATELET DISORDER, ASPIRIN-LIKE. Identifiers: Orphanet 71290, MedGen C1832388, MeSH C563324, MONDO:0100083, OMIM 601399.

Allele frequency attached by ClinVar (database versions not stated): TOPMed below 0.00001; gnomAD 0.00001.

Submissions (5):

ClinGen Myeloid Malignancy Variant Curation Expert Panel
Classification: Uncertain significance for Hereditary thrombocytopenia and hematologic cancer predisposition syndrome. Last evaluated: 2024-07-11. Review status: reviewed by expert panel. Criteria: ClinGen MyeloMalig ACMG Specifications v2. Collection method: curation. Allele origin: germline. Inheritance: Autosomal dominant inheritance.
Comment: NM_001754.5(RUNX1):c.619C>T (p.Arg207Trp) is a missense variant which is completely absent from all population databases with at least 20x coverage for RUNX1 (PM2_supporting). It has a REVEL score >0.75 (0.8109, PP3). In summary, the clinical significance of this variant is uncertain. ACMG/AMP criteria applied, as specified by the Myeloid Malignancy Variant Curation Expert Panel for RUNX1: PS4_supporting, PM2_supporting, PP3.

Molecular Pathology, Peter Maccallum Cancer Centre
Classification: Uncertain significance for Hereditary thrombocytopenia and hematological cancer predisposition syndrome associated with RUNX1. Last evaluated: 2024-02-08. Review status: criteria provided, single submitter. Criteria: ACMG Guidelines, 2015. Collection method: clinical testing. Allele origin: germline. Inheritance: Autosomal dominant inheritance. Not counted in ClinVar's aggregate classification.

Baylor Genetics
Classification: Uncertain significance for Acute myeloid leukemia. Last evaluated: 2023-12-25. Review status: criteria provided, single submitter. Criteria: ACMG Guidelines, 2015. Collection method: clinical testing. Allele origin: unknown. Not counted in ClinVar's aggregate classification.

Labcorp Genetics (formerly Invitae), Labcorp
Classification: Uncertain significance for Hereditary thrombocytopenia and hematological cancer predisposition syndrome associated with RUNX1. Last evaluated: 2023-09-15. Review status: criteria provided, single submitter. Criteria: Invitae Variant Classification Sherloc (09022015). Collection method: clinical testing. Allele origin: germline. Not counted in ClinVar's aggregate classification.
Comment: ClinVar contains an entry for this variant (Variation ID: 436615). In summary, the available evidence is currently insufficient to determine the role of this variant in disease. Therefore, it has been classified as a Variant of Uncertain Significance. Experimental studies are conflicting or provide insufficient evidence to determine the effect of this variant on RUNX1 function (PMID: 33692461). Advanced modeling of protein sequence and biophysical properties (such as structural, functional, and spatial information, amino acid conservation, physicochemical variation, residue mobility, and thermodynamic stability) has been performed at Invitae for this missense variant, however the output from this modeling did not meet the statistical confidence thresholds required to predict the impact of this variant on RUNX1 protein function. This variant is also known as c.538C>T (p.Arg180Trp). This missense change has been observed in individual(s) with acute myleoid leukemia and thromobocytopenia (PMID: 31309983, 32315381). This variant is not present in population databases (gnomAD no frequency). This sequence change replaces arginine, which is basic and polar, with tryptophan, which is neutral and slightly polar, at codon 207 of the RUNX1 protein (p.Arg207Trp).

Genetic Services Laboratory, University of Chicago
Classification: Uncertain significance. Last evaluated: 2017-01-13. Review status: criteria provided, single submitter. Criteria: ACMG Guidelines, 2015. Collection method: clinical testing. Allele origin: germline. Affected: no. Not counted in ClinVar's aggregate classification.

Literature cited by the submitters: PubMed 33692461 (cited by Labcorp Genetics (formerly Invitae), Labcorp); PubMed 31309983 (cited by Labcorp Genetics (formerly Invitae), Labcorp); PubMed 32315381 (cited by Labcorp Genetics (formerly Invitae), Labcorp).

NM_001754.5(RUNX1):c.619C>T (p.Arg207Trp)

Gene: RUNX1 (RUNX family transcription factor 1; minus strand). Cytogenetic location: 21q22.12.
Variant type: single nucleotide variant.
Coding change: c.619C>T on transcript NM_001754.5 (MANE Select); coding-DNA position 619, C replaced by T.
Protein change: p.Arg207Trp; replaces arginine 207 with tryptophan.
Molecular consequence: missense variant.
Genome position (GRCh38, 1-based): chr21:34,834,596, G>A on the plus strand (C>T on the coding strand, the complement: RUNX1 is on the minus strand). VCF-style: chr21-34834596-G-A. GRCh37 (hg19) VCF-style: chr21-36206893-G-A.
Other names: NM_001754.5(RUNX1):c.619C>T; p.Arg207Trp; c.538C>T, p.Arg180Trp (NM_001001890.3, NM_001122607.2); short protein forms R207W, R180W.
Identifiers: ClinVar variation 436615 (VCV000436615.12), dbSNP rs1555890007, ClinGen allele CA410207207.
Genomic context (GRCh38, chr21:34,834,596, plus strand): 5'-CACTGAGCCGCTCGGAAAAGGACAAGCTCCCGGGCTTGGTCTGATCATCTAGTTTCTGCC[G>A]ATGTCCTATTGTGGGGAGCAGGGAGGGGAGGGGATGGGGGGAGGGAAGGAGGGAGGGAAG-3'
Protein context (NP_001745.2, residues 197-217): VDGPREPRRH[Arg207Trp]QKLDDQTKPG